The following is an entry in ClinVar:

NM_000179.3(MSH6):c.3429_3431del (p.Met1144del)

Gene: MSH6 (mutS homolog 6; plus strand). Cytogenetic location: 2p16.3.
Variant type: Deletion.
Coding change: c.3429_3431del on transcript NM_000179.3 (MANE Select); coding-DNA positions 3429 to 3431, 3 bases deleted (TAT; older notation c.3429_3431delTAT).
Protein change: p.Met1144del; deletes methionine 1144.
Molecular consequence: inframe deletion.
Genome position (GRCh38, 1-based): chr2:47,803,676-47,803,678, TAT deleted; deleting any 3 consecutive bases within chr2:47,803,675-47,803,678 gives the same sequence; the c. name uses the placement nearest the transcript's 3' end. VCF-style (leftmost placement, unchanged base first): chr2-47803674-CTTA-C. GRCh37 (hg19) VCF-style: chr2-48030813-CTTA-C.
Other names: c.3039_3041del, p.Met1014del (NM_001281492.2); c.2523_2525del, p.Met842del (NM_001281493.2, NM_001281494.2); short protein forms M1014del, M1144del, M842del.
Identifiers: ClinVar variation 1025496 (VCV001025496.7), dbSNP rs1669773824, ClinGen allele CA2496052015.

ClinVar aggregate classification (germline): Uncertain significance (1 of 4 stars; one submission).

Conditions:
Hereditary nonpolyposis colorectal neoplasms. Identifiers: MedGen C0009405, MeSH D003123.

Submission:

Labcorp Genetics (formerly Invitae), Labcorp
Classification: Uncertain significance for Hereditary nonpolyposis colorectal neoplasms. Last evaluated: 2014-06-30. Review status: criteria provided, single submitter. Criteria: Invitae Variant Classification Sherloc (09022015). Collection method: clinical testing. Allele origin: germline.
Comment: In summary, this is a novel single amino acid deletion with unknown impact on protein function. It has been classified as a variant of uncertain significance but may be of the type to cause disease given the loss of MSH6 expression by IHC. This sequence change is a small deletion, defined as c.3429_3431delTAT by HGVS guidelines, and is predicted to result in an in-frame deletion of a single amino acid (p.Met1144del). The Met1144 amino acid is moderately conserved, with divergence in mouse and baker's yeast, and is located within an important DNA mismatch repair MutS domain. Functional experiments testing the impact of this Met1144del have not been reported. This sequence change is not reported in the literature and is not listed in the polymorphism databases.